The following is an entry in ClinVar:

ClinVar aggregate classification (germline): Pathogenic (1 of 4 stars; one submission).

Conditions:
Luscan-Lumish syndrome. Identifiers: Orphanet 597738, MedGen C4085873, MONDO:0014791, OMIM 616831.

Allele frequency attached by ClinVar (database versions not stated): gnomAD exomes below 0.00001.
gnomAD v4.1: 6 of 1,614,124 alleles (0.00037%); highest among the groups gnomAD compares: Non-Finnish European, 0.00042%; no homozygotes.

Submission:

Labcorp Genetics (formerly Invitae), Labcorp
Classification: Pathogenic for Luscan-Lumish syndrome. Last evaluated: 2023-05-26. Review status: criteria provided, single submitter. Criteria: Invitae Variant Classification Sherloc (09022015). Collection method: clinical testing. Allele origin: germline.
Comment: For these reasons, this variant has been classified as Pathogenic. Advanced modeling of protein sequence and biophysical properties (such as structural, functional, and spatial information, amino acid conservation, physicochemical variation, residue mobility, and thermodynamic stability) performed at Invitae indicates that this missense variant is expected to disrupt SETD2 protein function. ClinVar contains an entry for this variant (Variation ID: 1005470). This missense change has been observed in individual(s) with clinical features of SETD2-related conditions (Invitae). In at least one individual the variant was observed to be de novo. This variant is not present in population databases (gnomAD no frequency). This sequence change replaces arginine, which is basic and polar, with cysteine, which is neutral and slightly polar, at codon 1879 of the SETD2 protein (p.Arg1879Cys).

NM_014159.7(SETD2):c.5635C>T (p.Arg1879Cys)

Gene: SETD2 (SET domain containing 2, histone lysine methyltransferase; minus strand). Cytogenetic location: 3p21.31.
Variant type: single nucleotide variant.
Coding change: c.5635C>T on transcript NM_014159.7 (MANE Select); coding-DNA position 5635, C replaced by T.
Protein change: p.Arg1879Cys; replaces arginine 1879 with cysteine.
Molecular consequence: missense variant. On other transcripts: non-coding transcript variant (1).
Genome position (GRCh38, 1-based): chr3:47,084,145, G>A on the plus strand (C>T on the coding strand, the complement: SETD2 is on the minus strand). VCF-style: chr3-47084145-G-A. GRCh37 (hg19) VCF-style: chr3-47125635-G-A.
Other names: c.5503C>T, p.Arg1835Cys (NM_001349370.3); short protein forms R1835C, R1879C.
Identifiers: ClinVar variation 1005470 (VCV001005470.5), dbSNP rs1575744958, ClinGen allele CA352535491.
Genomic context (GRCh38, chr3:47,084,145, plus strand): 5'-CACTGGTTGCATCAGAGATTGCACTGTCCATGCTATTTTCACTTATAATTTTCAGTCTGC[G>A]AAACATTAGTTTCTTGGGAGTGTCTGTGTCAGCTTCTGTGCTCAGCTTGGTGGAAGGATC-3'
Protein context (NP_054878.5, residues 1869-1889): DTDTPKKLMF[Arg1879Cys]RLKIISENSM